The following is an entry in ClinVar:

NM_005529.7(HSPG2):c.13006G>A (p.Gly4336Arg)

Genes: HSPG2 (heparan sulfate proteoglycan 2; minus strand), LDLRAD2 (low density lipoprotein receptor class A domain containing 2; plus strand). Cytogenetic location: 1p36.12.
Variant type: single nucleotide variant.
Coding change: c.13006G>A on transcript NM_005529.7 (MANE Select); coding-DNA position 13006, G replaced by A.
Protein change: p.Gly4336Arg; replaces glycine 4336 with arginine.
Molecular consequence: missense variant. On other transcripts: 3 prime UTR variant (1).
Genome position (GRCh38, 1-based): chr1:21,823,486, C>T on the plus strand (G>A on the coding strand, the complement: HSPG2 is on the minus strand). VCF-style: chr1-21823486-C-T. GRCh37 (hg19) VCF-style: chr1-22149979-C-T.
Other names: c.13009G>A, p.Gly4337Arg (NM_001291860.2); c.*1271C>T (NM_001013693.3); short protein forms G4337R, G4336R.
Identifiers: ClinVar variation 1497631 (VCV001497631.6), dbSNP rs550270875, ClinGen allele CA669153.
Genomic context (GRCh38, chr1:21,823,486, plus strand): 5'-CACAGCCTGTGATGCCTGAGGAGAATCTGCCCCCGGTCAGCGTGGCCACGTCAGGGGCTC[C>T]GCCTGCCGGGAGGTGAGAGGACAGGGCCTGTGGGCTCCAGCAGCCCAGGAGGCGAGGAAG-3'
Protein context (NP_005520.4, residues 4326-4346): VNAKGSVYIG[Gly4336Arg]APDVATLTGG

ClinVar aggregate classification (germline): Uncertain significance (1 of 4 stars; one submission).

Allele frequency attached by ClinVar (database versions not stated): TOPMed 0.00002; gnomAD 0.00004 and 0.00005; gnomAD exomes 0.00004 and 0.00005; ExAC 0.00007; 1000 Genomes Project 30x 0.00016; 1000 Genomes Project 0.00020.
gnomAD v4.1: 70 of 1,602,000 alleles (0.0044%); highest among the groups gnomAD compares: South Asian, 0.0055%; no homozygotes.

Submission:

Labcorp Genetics (formerly Invitae), Labcorp
Classification: Uncertain significance. Last evaluated: 2021-10-22. Review status: criteria provided, single submitter. Criteria: Invitae Variant Classification Sherloc (09022015). Collection method: clinical testing. Allele origin: germline.
Comment: In summary, the available evidence is currently insufficient to determine the role of this variant in disease. Therefore, it has been classified as a Variant of Uncertain Significance. Algorithms developed to predict the effect of missense changes on protein structure and function are either unavailable or do not agree on the potential impact of this missense change (SIFT: "Deleterious"; PolyPhen-2: "Probably Damaging"; Align-GVGD: "Class C0"). This variant has not been reported in the literature in individuals affected with HSPG2-related conditions. This variant is present in population databases (rs550270875, ExAC 0.08%). This sequence change replaces glycine with arginine at codon 4336 of the HSPG2 protein (p.Gly4336Arg). The glycine residue is moderately conserved and there is a moderate physicochemical difference between glycine and arginine.